The following is an entry in ClinVar:

ClinVar aggregate classification (germline): Likely benign (1 of 4 stars; one submission).

Submission:

Mayo Clinic Laboratories, Mayo Clinic
Classification: Likely benign. Last evaluated: 2025-10-13. Review status: criteria provided, single submitter. Criteria: ACMG Guidelines, 2015. Collection method: clinical testing. Allele origin: germline. Observed: 1 variant allele.
Comment: BS1, BP4, BP7

NM_001025356.3(ANO6):c.1165+20_1165+21dup

Gene: ANO6 (anoctamin 6; plus strand). Cytogenetic location: 12q12.
Variant type: Duplication.
Coding change: c.1165+20_1165+21dup on transcript NM_001025356.3 (MANE Select); bases 20 to 21 of the intron after coding-DNA position 1165, 2 bases duplicated (TT; older notation c.1165+20_1165+21dupTT).
Molecular consequence: intron variant.
Genome position (GRCh38, 1-based): chr12:45,378,133-45,378,134, TT duplicated; duplicating any 2 consecutive bases within chr12:45,378,119-45,378,134 gives the same sequence; the c. name uses the placement nearest the transcript's 3' end. VCF-style (leftmost placement, unchanged base first): chr12-45378118-G-GTT. GRCh37 (hg19) VCF-style: chr12-45771901-G-GTT.
Other names: p.?; c.1165+20_1165+21dup (NM_001142679.2); c.1228+20_1228+21dup (NM_001204803.2); c.1132+20_1132+21dup (NM_001410973.1); c.1111+20_1111+21dup (NM_001142678.2).
Identifiers: ClinVar variation 4683748 (VCV004683748.1).